The following is an entry in ClinVar:

NM_001148.6(ANK2):c.4559T>C (p.Ile1520Thr)

Gene: ANK2 (ankyrin 2; plus strand). Cytogenetic location: 4q26.
Variant type: single nucleotide variant.
Coding change: c.4559T>C on transcript NM_001148.6 (MANE Select); coding-DNA position 4559, T replaced by C.
Protein change: p.Ile1520Thr; replaces isoleucine 1520 with threonine.
Molecular consequence: missense variant. On other transcripts: intron variant (68).
Genome position (GRCh38, 1-based): chr4:113,353,177, T>C. VCF-style: chr4-113353177-T-C. GRCh37 (hg19) VCF-style: chr4-114274333-T-C.
Other names: c.4325T>C, p.Ile1442Thr (NM_001386142.1); c.959T>C, p.Ile320Thr (NM_001386166.1); c.4700T>C, p.Ile1567Thr (NM_001386174.1); c.4676T>C, p.Ile1559Thr (NM_001386175.1); c.4411+2928T>C (NM_001386186.2, NM_001386148.2); c.4213+2928T>C (NM_001354269.3); c.4291+2928T>C (NM_001386187.2); c.4252+2928T>C (NM_001386147.1); and 35 more; short protein forms I1559T, I1567T, I320T, I1442T, I1520T.
Identifiers: ClinVar variation 1741473 (VCV001741473.2), dbSNP rs2505184048, ClinGen allele CA357914931.

ClinVar aggregate classification (germline): Uncertain significance (1 of 4 stars; one submission).

Conditions:
Cardiovascular phenotype. Identifiers: MedGen CN230736.

Submission:

Ambry Genetics
Classification: Uncertain significance for Cardiovascular phenotype. Last evaluated: 2022-05-20. Review status: criteria provided, single submitter. Criteria: Ambry Variant Classification Scheme 2023. Collection method: clinical testing. Allele origin: germline.
Comment: The p.I1520T variant (also known as c.4559T>C), located in coding exon 38 of the ANK2 gene, results from a T to C substitution at nucleotide position 4559. The isoleucine at codon 1520 is replaced by threonine, an amino acid with similar properties. This amino acid position is conserved. In addition, the in silico prediction for this alteration is inconclusive. Since supporting evidence is limited at this time, the clinical significance of this alteration remains unclear.